The following is an entry in ClinVar:

NM_000059.4(BRCA2):c.3968_3971del (p.Lys1323fs)

Gene: BRCA2 (BRCA2 DNA repair associated; plus strand). Cytogenetic location: 13q13.1.
Variant type: Deletion.
Coding change: c.3968_3971del on transcript NM_000059.4 (MANE Select); coding-DNA positions 3968 to 3971, 4 bases deleted (AATA; older notation c.3968_3971delAATA).
Protein change: p.Lys1323fs; shifts the reading frame from lysine 1323.
Molecular consequence: frameshift variant.
Genome position (GRCh38, 1-based): chr13:32,338,323-32,338,326, AATA deleted; deleting any 4 consecutive bases within chr13:32,338,322-32,338,326 gives the same sequence; the c. name uses the placement nearest the transcript's 3' end. VCF-style (leftmost placement, unchanged base first): chr13-32338321-CAAAT-C. GRCh37 (hg19) VCF-style: chr13-32912458-CAAAT-C.
Other names: 4195del4; c.3968_3971delAATA (NM_000059.3).
Identifiers: ClinVar variation 266783 (VCV000266783.5), dbSNP rs886040505, ClinGen allele CA10589233.

ClinVar aggregate classification (germline): Pathogenic. Review status: reviewed by expert panel (3 of 4 stars). 3 submissions from 3 submitters: Pathogenic (1). 2 of the submissions do not count toward it. Last evaluated 2016-10-18.

Conditions:
Hereditary breast ovarian cancer syndrome. Also called: Hereditary breast and ovarian cancer; Hereditary breast and ovarian cancer syndrome (HBOC); Hereditary breast and/or ovarian cancer syndrome; Breast and ovarian cancer; Hereditary breast and ovarian cancer syndrome; BRCA1- and BRCA2-Associated Hereditary Breast and Ovarian Cancer. Identifiers: Orphanet 145, MedGen C0677776, MeSH D061325, MONDO:0003582. Disease mechanism: loss of function.
Breast-ovarian cancer, familial, susceptibility to, 2 (BROVCA2). Also called: BRCA2 Hereditary Breast and Ovarian Cancer. Identifiers: Orphanet 145, MedGen C2675520, MONDO:0012933, OMIM 612555. Disease mechanism: loss of function.

Submissions (3):

Evidence-based Network for the Interpretation of Germline Mutant Alleles (ENIGMA)
Classification: Pathogenic for Breast-ovarian cancer, familial, susceptibility to, 2. Last evaluated: 2016-10-18. Review status: reviewed by expert panel. Criteria: ENIGMA BRCA1/2 Classification Criteria (2015). Collection method: curation. Allele origin: germline.
Comment: Variant allele predicted to encode a truncated non-functional protein.

Women's Health and Genetics/Laboratory Corporation of America, LabCorp
Classification: Likely pathogenic for Hereditary breast ovarian cancer syndrome. Last evaluated: 2016-08-08. Review status: criteria provided, single submitter. Criteria: LabCorp Variant Classification Summary - May 2015. Collection method: clinical testing. Allele origin: germline. Not counted in ClinVar's aggregate classification.
Comment: Variant summary: The BRCA2 c.3968_3971delAATA (p.Lys1323Ilefs) variant results in a premature termination codon, predicted to cause a truncated or absent BRCA2 protein due to nonsense mediated decay, which are commonly known mechanisms for disease. Truncations downstream of this position have been classified as pathogenic by our laboratory (e.g. c.3975_3978dupTGCT (p.Ala1327fs), c.4003G>T (p.Glu1335X), and c.4007_4008insCATC (p.Asp1337fs)). The variant of interest was not observed in controls (ExAC, 1000 Gs, or ESP), nor has it been, to our knowledge, reported in affected individuals via publications and/or reputable databases/clinical laboratories. Therefore, the variant of interest has been classified as Likely Pathogenic, until additional information becomes available.

Consortium of Investigators of Modifiers of BRCA1/2 (CIMBA), c/o University of Cambridge
Classification: Pathogenic for Breast-ovarian cancer, familial, susceptibility to, 2. Last evaluated: 2015-10-02. Review status: criteria provided, single submitter. Criteria: CIMBA Mutation Classification guidelines May 2016. Collection method: clinical testing. Allele origin: germline. Not counted in ClinVar's aggregate classification.